The following is an entry in ClinVar:

NM_194248.3(OTOF):c.2171G>A (p.Arg724His)

Gene: OTOF (otoferlin; minus strand). Cytogenetic location: 2p23.3.
Variant type: single nucleotide variant.
Coding change: c.2171G>A on transcript NM_194248.3 (MANE Select); coding-DNA position 2171, G replaced by A.
Protein change: p.Arg724His; replaces arginine 724 with histidine.
Molecular consequence: missense variant.
Genome position (GRCh38, 1-based): chr2:26,479,307, C>T on the plus strand (G>A on the coding strand, the complement: OTOF is on the minus strand). VCF-style: chr2-26479307-C-T. GRCh37 (hg19) VCF-style: chr2-26702175-C-T.
Other names: c.2171G>A, p.Arg724His (NM_001287489.2); short protein forms R724H.
Identifiers: ClinVar variation 3252632 (VCV003252632.3), dbSNP rs550283736.

ClinVar aggregate classification (germline): Uncertain significance (1 of 4 stars; one submission).

Allele frequency attached by ClinVar (database versions not stated): gnomAD 0.00002; TOPMed 0.00002; gnomAD exomes 0.00005; ExAC 0.00005.
gnomAD v4.1: 82 of 1,612,066 alleles (0.0051%); highest among the groups gnomAD compares: Non-Finnish European, 0.0055%; 1 homozygote.

Submission:

GeneDx
Classification: Uncertain significance. Last evaluated: 2026-09-25. Review status: criteria provided, single submitter. Criteria: GeneDx Variant Classification Process June 2021. Collection method: clinical testing. Allele origin: germline.
Comment: In silico analysis supports that this missense variant has a deleterious effect on protein structure/function; Has not been previously published as pathogenic or benign to our knowledge